The following is an entry in ClinVar:

NM_004985.5(KRAS):c.-122C>T

Genes: KRAS (KRAS proto-oncogene, GTPase; minus strand), LOC130007561 (ATAC-STARR-seq lymphoblastoid silent region 4294; plus strand). Cytogenetic location: 12p12.1.
Variant type: single nucleotide variant.
Coding change: c.-122C>T on transcript NM_004985.5 (MANE Select); 122 bases upstream of the start codon, C replaced by T.
Molecular consequence: 5 prime UTR variant.
Genome position (GRCh38, 1-based): chr12:25,250,861, G>A on the plus strand (C>T on the coding strand, the complement: KRAS is on the minus strand). VCF-style: chr12-25250861-G-A. GRCh37 (hg19) VCF-style: chr12-25403795-G-A.
Other names: c.-109C>T (NM_001369786.1, NM_001369787.1); c.-122C>T (NM_033360.4).
Identifiers: ClinVar variation 177710 (VCV000177710.5), dbSNP rs61759617, ClinGen allele CA180641.

ClinVar aggregate classification (germline): Likely benign. Review status: criteria provided, multiple submitters, no conflicts (2 of 4 stars). 2 submissions from 2 submitters: Likely benign (2). Last evaluated 2011-10-20.

Allele frequency attached by ClinVar (database versions not stated): gnomAD 0.00134 and 0.00137; TOPMed 0.00146; gnomAD exomes 0.00016; 1000 Genomes Project 0.00260.
gnomAD v4.1: 219 of 246,296 alleles (0.089%); highest among the groups gnomAD compares: African/African-American, 0.46%; 1 homozygote.

Submissions (2):

Laboratory for Molecular Medicine, Mass General Brigham Personalized Medicine
Classification: Likely benign. Last evaluated: 2011-10-20. Review status: criteria provided, single submitter. Criteria: LMM Criteria. Collection method: clinical testing. Allele origin: germline. Observed: 3 variant alleles.
Comment: This variant has been reported in dbSNP in 1/20 (5%) Black individuals (rs617596 17). In addition, this variant occurs in the 5' UTR of the gene and even though mutations in 5' UTRs of genes have been shown to affect gene regulation, no pat hogenic mutations in the 5' UTR of KRAS have been reported to date. Therefore, t his variant is not expected to have clinical significance.

Breakthrough Genomics
Classification: Likely benign. Review status: criteria provided, single submitter. Criteria: ACMG Guidelines, 2015. Collection method: not provided. Allele origin: germline. Inheritance: Autosomal dominant inheritance. Affected: yes.